The following is an entry in ClinVar:

NM_001291303.3(FAT4):c.14466A>T (p.Arg4822Ser)

Gene: FAT4 (FAT atypical cadherin 4; plus strand). Cytogenetic location: 4q28.1.
Variant type: single nucleotide variant.
Coding change: c.14466A>T on transcript NM_001291303.3 (MANE Select); coding-DNA position 14466, A replaced by T.
Protein change: p.Arg4822Ser; replaces arginine 4822 with serine.
Molecular consequence: missense variant.
Genome position (GRCh38, 1-based): chr4:125,491,282, A>T. VCF-style: chr4-125491282-A-T. GRCh37 (hg19) VCF-style: chr4-126412437-A-T.
Other names: c.14463A>T, p.Arg4821Ser (NM_001291285.3); c.14460A>T, p.Arg4820Ser (NM_024582.6); short protein forms R4820S, R4821S, R4822S.
Identifiers: ClinVar variation 1940844 (VCV001940844.3), dbSNP rs371558608, ClinGen allele CA3074568.

ClinVar aggregate classification (germline): Uncertain significance (1 of 4 stars; one submission).

Allele frequency attached by ClinVar (database versions not stated): TOPMed below 0.00001; ExAC 0.00001; ESP Exome Variant Server 0.00008.
gnomAD v4.1: 5 of 1,614,052 alleles (0.00031%); highest among the groups gnomAD compares: Non-Finnish European, 0.00042%; no homozygotes.

Submission:

Labcorp Genetics (formerly Invitae), Labcorp
Classification: Uncertain significance. Last evaluated: 2022-06-04. Review status: criteria provided, single submitter. Criteria: Invitae Variant Classification Sherloc (09022015). Collection method: clinical testing. Allele origin: germline.
Comment: This sequence change replaces arginine, which is basic and polar, with serine, which is neutral and polar, at codon 4820 of the FAT4 protein (p.Arg4820Ser). This variant is present in population databases (rs371558608, gnomAD 0.0009%). This variant has not been reported in the literature in individuals affected with FAT4-related conditions. Advanced modeling of protein sequence and biophysical properties (such as structural, functional, and spatial information, amino acid conservation, physicochemical variation, residue mobility, and thermodynamic stability) performed at Invitae indicates that this missense variant is not expected to disrupt FAT4 protein function. Algorithms developed to predict the effect of sequence changes on RNA splicing suggest that this variant may create or strengthen a splice site. In summary, the available evidence is currently insufficient to determine the role of this variant in disease. Therefore, it has been classified as a Variant of Uncertain Significance.